The following is an entry in ClinVar:

ClinVar aggregate classification (germline): Uncertain significance. Review status: criteria provided, multiple submitters, no conflicts (2 of 4 stars). 10 submissions from 10 submitters: Uncertain significance (7). 3 of the submissions do not count toward it. Last evaluated 2026-08-27.

Conditions:
CYP27A1-related disorder. Also called: CYP27A1-related condition.
Cholestanol storage disease (CTX). Also called: CTX: Cerebrotendinous xanthomatosis; CEREBRAL CHOLESTERINOSIS; Cerebrotendinous Xanthomatosis. Identifiers: Orphanet 909, MedGen C0238052, MONDO:0008948, OMIM 213700.

Allele frequency attached by ClinVar (database versions not stated): TOPMed 0.00010; gnomAD 0.00014; ESP Exome Variant Server 0.00015; ExAC 0.00018.
gnomAD v4.1: 166 of 1,614,078 alleles (0.01%); highest among the groups gnomAD compares: South Asian, 0.027%; no homozygotes.

Submissions (10):

PreventionGenetics, part of Exact Sciences
Classification: Uncertain significance for CYP27A1-related condition. Last evaluated: 2026-08-27. Review status: criteria provided, single submitter. Criteria: ACMG Guidelines, 2015. Collection method: clinical testing. Allele origin: germline.
Comment: The CYP27A1 c.215T>A variant is predicted to result in the amino acid substitution p.Leu72Gln. To our knowledge, this variant has not been reported in the literature. This variant is reported in 0.026% of alleles in individuals of European (Non-Finnish) descent in gnomAD. At this time, the clinical significance of this variant is uncertain due to the absence of conclusive functional and genetic evidence.

Labcorp Genetics (formerly Invitae), Labcorp
Classification: Uncertain significance for Cholestanol storage disease. Last evaluated: 2026-02-02. Review status: criteria provided, single submitter. Criteria: Invitae Variant Classification Sherloc (09022015). Collection method: clinical testing. Allele origin: germline.
Comment: This sequence change replaces leucine, which is neutral and non-polar, with glutamine, which is neutral and polar, at codon 72 of the CYP27A1 protein (p.Leu72Gln). This variant is present in population databases (rs138189735, gnomAD 0.03%). This variant has not been reported in the literature in individuals affected with CYP27A1-related conditions. ClinVar contains an entry for this variant (Variation ID: 528492). Invitae Evidence Modeling of protein sequence and biophysical properties (such as structural, functional, and spatial information, amino acid conservation, physicochemical variation, residue mobility, and thermodynamic stability) indicates that this missense variant is expected to disrupt CYP27A1 protein function with a positive predictive value of 95%. In summary, the available evidence is currently insufficient to determine the role of this variant in disease. Therefore, it has been classified as a Variant of Uncertain Significance.

Women's Health and Genetics/Laboratory Corporation of America, LabCorp
Classification: Uncertain significance. Last evaluated: 2025-11-06. Review status: criteria provided, single submitter. Criteria: LabCorp Variant Classification Summary - May 2015. Collection method: clinical testing. Allele origin: germline.
Comment: Variant summary: CYP27A1 c.215T>A (p.Leu72Gln) results in a non-conservative amino acid change in the encoded protein sequence. Algorithms developed to predict the effect of missense changes on protein structure and function are either unavailable or do not agree on the potential impact of this missense change. The variant allele was found at a frequency of 0.00016 in 251378 control chromosomes, predominantly at a frequency of 0.00026 within the Non-Finnish European subpopulation in the gnomAD database. This frequency is not significantly higher than estimated for disease-causing variants in CYP27A1, allowing no conclusion about variant significance. To our knowledge, no occurrence of c.215T>A in individuals affected with CYP27A1-related conditions and no experimental evidence demonstrating its impact on protein function have been reported. ClinVar contains an entry for this variant (Variation ID: 528492). Based on the evidence outlined above, the variant was classified as uncertain significance.

GeneDx
Classification: Uncertain significance. Last evaluated: 2025-05-29. Review status: criteria provided, single submitter. Criteria: GeneDx Variant Classification Process June 2021. Collection method: clinical testing. Allele origin: germline. Affected: yes.
Comment: In silico analysis supports that this missense variant has a deleterious effect on protein structure/function; Has not been previously published as pathogenic or benign to our knowledge

Athena Diagnostics
Classification: Uncertain significance. Last evaluated: 2024-09-26. Review status: criteria provided, single submitter. Criteria: Athena Diagnostics Criteria. Collection method: clinical testing. Allele origin: unknown.
Comment: Available data are insufficient to determine the clinical significance of the variant at this time. The frequency of this variant in the general population is uninformative in assessment of its pathogenicity. Computational tools yielded predictions that this variant may result in the gain of a cryptic splice site without affecting the natural splice sites. Polyphen and MutationTaster yielded discordant predictions regarding whether this amino acid change is damaging to the protein.

Blueprint Genetics
Classification: Uncertain significance. Last evaluated: 2024-05-20. Review status: criteria provided, single submitter. Criteria: ACMG Guidelines, 2015. Collection method: clinical testing. Allele origin: germline.

Fulgent Genetics
Classification: Uncertain significance for Cholestanol storage disease. Last evaluated: 2024-03-18. Review status: criteria provided, single submitter. Criteria: ACMG Guidelines, 2015. Collection method: clinical testing. Allele origin: germline.

Natera, Inc.
Classification: Uncertain significance for Cerebrotendinous xanthomatosis. Last evaluated: 2019-11-11. Review status: no assertion criteria provided. Collection method: clinical testing. Allele origin: germline. Not counted in ClinVar's aggregate classification.

Clinical Genetics, Academic Medical Center
Classification: Uncertain significance. Review status: no assertion criteria provided. Collection method: clinical testing. Allele origin: germline. Affected: yes. Study: VKGL Data-share Consensus. Not counted in ClinVar's aggregate classification.

Genome Diagnostics Laboratory, Amsterdam University Medical Center
Classification: Uncertain significance. Review status: no assertion criteria provided. Collection method: clinical testing. Allele origin: germline. Affected: yes. Study: VKGL Data-share Consensus. Not counted in ClinVar's aggregate classification.

NM_000784.4(CYP27A1):c.215T>A (p.Leu72Gln)

Gene: CYP27A1 (cytochrome P450 family 27 subfamily A member 1; plus strand). Cytogenetic location: 2q35.
Variant type: single nucleotide variant.
Coding change: c.215T>A on transcript NM_000784.4 (MANE Select); coding-DNA position 215, T replaced by A.
Protein change: p.Leu72Gln; replaces leucine 72 with glutamine.
Molecular consequence: missense variant.
Genome position (GRCh38, 1-based): chr2:218,782,397, T>A. VCF-style: chr2-218782397-T-A. GRCh37 (hg19) VCF-style: chr2-219647120-T-A.
Other names: short protein forms L72Q.
Identifiers: ClinVar variation 528492 (VCV000528492.20), dbSNP rs138189735, ClinGen allele CA2112535.